The following is an entry in ClinVar:

NM_000152.5(GAA):c.1075+13C>T

Gene: GAA (alpha glucosidase; plus strand). Cytogenetic location: 17q25.3.
Variant type: single nucleotide variant.
Coding change: c.1075+13C>T on transcript NM_000152.5 (MANE Select); 13 bases into the intron after coding-DNA position 1075, C replaced by T.
Molecular consequence: intron variant.
Genome position (GRCh38, 1-based): chr17:80,108,422, C>T. VCF-style: chr17-80108422-C-T. GRCh37 (hg19) VCF-style: chr17-78082221-C-T.
Other names: c.1075+13C>T (NM_001079803.3, NM_001079804.3).
Identifiers: ClinVar variation 92460 (VCV000092460.35), dbSNP rs41292402, ClinGen allele CA145748.

ClinVar aggregate classification (germline): Benign/Likely benign. Review status: criteria provided, multiple submitters, no conflicts (2 of 4 stars). 13 submissions from 13 submitters: Benign (6); Likely benign (3). 4 of the submissions do not count toward it. Last evaluated 2026-07-01.

Conditions:
Glycogen storage disease, type II (IOPD). Also called: POMPE DISEASE, INFANTILE-ONSET; GLYCOGEN STORAGE DISEASE II, INFANTILE-ONSET; ACID ALPHA-GLUCOSIDASE DEFICIENCY, INFANTILE-ONSET; GAA DEFICIENCY, INFANTILE-ONSET; ACID MALTASE DEFICIENCY, INFANTILE-ONSET; Glucosidase acid-1,4-alpha deficiency. Identifiers: Orphanet 365, MedGen C0017921, MONDO:0009290, OMIM 232300.

Allele frequency attached by ClinVar (database versions not stated): 1000 Genomes Project 0.00519; 1000 Genomes Project 30x 0.00578; TOPMed 0.01028; gnomAD exomes 0.01033 and 0.01599; ExAC 0.01045; gnomAD 0.01050 and 0.01065; ESP Exome Variant Server 0.01208.

Submissions (13):

Genomenon, Inc
Classification: Benign for Glycogen storage disease, type II. Last evaluated: 2026-07-01. Review status: criteria provided, single submitter. Criteria: Genomenon Sequence Variant Interpretation Standards - Updated. Collection method: curation. Allele origin: germline. Affected: no.
Comment: GAA c.1075+13C>T is an intronic variant located in the donor splice region of intron 6. This variant is present at high allele frequency in population databases. We classify GAA c.1075+13C>T as a benign variant.

Labcorp Genetics (formerly Invitae), Labcorp
Classification: Benign for Glycogen storage disease, type II. Last evaluated: 2026-02-04. Review status: criteria provided, single submitter. Criteria: Invitae Variant Classification Sherloc (09022015). Collection method: clinical testing. Allele origin: germline.

ARUP Laboratories, Molecular Genetics and Genomics, ARUP Laboratories
Classification: Benign for Glycogen storage disease, type II. Last evaluated: 2025-07-17. Review status: criteria provided, single submitter. Criteria: ARUP Molecular Germline Variant Investigation Process 2024. Collection method: clinical testing. Allele origin: germline.

Blueprint Genetics
Classification: Likely benign. Last evaluated: 2024-11-27. Review status: criteria provided, single submitter. Criteria: ACMG Guidelines, 2015. Collection method: clinical testing. Allele origin: germline.

GeneDx
Classification: Benign. Last evaluated: 2017-12-05. Review status: criteria provided, single submitter. Criteria: GeneDx Variant Classification (06012015). Collection method: clinical testing. Allele origin: germline. Affected: yes.
Comment: This variant is considered likely benign or benign based on one or more of the following criteria: it is a conservative change, it occurs at a poorly conserved position in the protein, it is predicted to be benign by multiple in silico algorithms, and/or has population frequency not consistent with disease.

Illumina Laboratory Services, Illumina
Classification: Likely benign for Glycogen storage disease, type II. Last evaluated: 2017-04-27. Review status: criteria provided, single submitter. Criteria: ICSL Variant Classification Criteria 13 December 2019. Collection method: clinical testing. Allele origin: germline.
Comment: This variant was observed as part of a predisposition screen in an ostensibly healthy population. A literature search was performed for the gene, cDNA change, and amino acid change (where applicable). Publications were found based on this search. The evidence from the literature, in combination with allele frequency data from public databases where available, was sufficient to determine this variant is unlikely to cause disease. Therefore, this variant is classified as likely benign.

Eurofins Ntd Llc (ga)
Classification: Benign. Last evaluated: 2013-09-18. Review status: criteria provided, single submitter. Criteria: EGL Classification Definitions 2015. Collection method: clinical testing. Allele origin: germline. Observed: 5 variant alleles, 5 heterozygotes.

Breakthrough Genomics
Classification: Likely benign. Review status: criteria provided, single submitter. Criteria: ACMG Guidelines, 2015. Collection method: not provided. Allele origin: germline. Inheritance: Autosomal recessive inheritance. Affected: yes.

PreventionGenetics, part of Exact Sciences
Classification: Benign. Review status: criteria provided, single submitter. Criteria: ACMG Guidelines, 2015. Collection method: clinical testing. Allele origin: germline.

Mayo Clinic Laboratories, Mayo Clinic
Classification: Benign. Last evaluated: 2015-12-16. Review status: no assertion criteria provided. Collection method: clinical testing. Allele origin: unknown. Not counted in ClinVar's aggregate classification.

Clinical Genetics DNA and cytogenetics Diagnostics Lab, Erasmus MC, Erasmus Medical Center
Classification: Benign. Review status: no assertion criteria provided. Collection method: clinical testing. Allele origin: germline. Affected: yes. Study: VKGL Data-share Consensus. Not counted in ClinVar's aggregate classification.

Genome Diagnostics Laboratory, University Medical Center Utrecht
Classification: Likely benign. Review status: no assertion criteria provided. Collection method: clinical testing. Allele origin: germline. Affected: yes. Study: VKGL Data-share Consensus. Not counted in ClinVar's aggregate classification.

Laboratory of Diagnostic Genome Analysis, Leiden University Medical Center (LUMC)
Classification: Likely benign. Review status: no assertion criteria provided. Collection method: clinical testing. Allele origin: germline. Affected: yes. Study: VKGL Data-share Consensus. Not counted in ClinVar's aggregate classification.

Literature cited by the submitters: PubMed 17616415 (cited by Illumina Laboratory Services, Illumina); PubMed 18425781 (cited by Illumina Laboratory Services, Illumina).